The following is an entry in ClinVar:

NM_001109754.4(PTPRB):c.2579-31C>A

Gene: PTPRB (protein tyrosine phosphatase receptor type B; minus strand). Cytogenetic location: 12q15.
Variant type: single nucleotide variant.
Coding change: c.2579-31C>A on transcript NM_001109754.4 (MANE Select); 31 bases into the intron before coding-DNA position 2579, C replaced by A.
Molecular consequence: intron variant.
Genome position (GRCh38, 1-based): chr12:70,576,676, G>T on the plus strand (C>A on the coding strand, the complement: PTPRB is on the minus strand). VCF-style: chr12-70576676-G-T. GRCh37 (hg19) VCF-style: chr12-70970456-G-T.
Other names: c.2578+4360C>A (NM_001330204.2); c.1655-31C>A (NM_001206971.3); c.1925-31C>A (NM_001206972.3, NM_002837.6).
Identifiers: ClinVar variation 3042234 (VCV003042234.2), dbSNP rs756410317, ClinGen allele CA6684155.

ClinVar aggregate classification (germline): Likely benign (0 of 4 stars; one submission).

Conditions:
PTPRB-related disorder. Also called: PTPRB-related condition.

Allele frequency attached by ClinVar (database versions not stated): gnomAD exomes 0.00079; ExAC 0.00090.

Submission:

PreventionGenetics, part of Exact Sciences
Classification: Likely benign for PTPRB-related condition. Last evaluated: 2020-09-14. Review status: no assertion criteria provided. Collection method: clinical testing. Allele origin: germline.
Comment: This variant is classified as likely benign based on ACMG/AMP sequence variant interpretation guidelines (Richards et al. 2015 PMID: 25741868, with internal and published modifications).